The following is an entry in ClinVar:

ClinVar aggregate classification (germline): Uncertain significance (1 of 4 stars; one submission).

Allele frequency attached by ClinVar (database versions not stated): gnomAD exomes below 0.00001.
gnomAD v4.1: 2 of 1,614,090 alleles (0.00012%); highest among the groups gnomAD compares: African/African-American, 0.0027%; no homozygotes.

Submission:

Labcorp Genetics (formerly Invitae), Labcorp
Classification: Uncertain significance. Last evaluated: 2022-06-07. Review status: criteria provided, single submitter. Criteria: Invitae Variant Classification Sherloc (09022015). Collection method: clinical testing. Allele origin: germline.
Comment: This sequence change replaces proline, which is neutral and non-polar, with arginine, which is basic and polar, at codon 234 of the GNPTG protein (p.Pro234Arg). This variant is not present in population databases (gnomAD no frequency). This variant has not been reported in the literature in individuals affected with GNPTG-related conditions. Algorithms developed to predict the effect of missense changes on protein structure and function (SIFT, PolyPhen-2, Align-GVGD) all suggest that this variant is likely to be tolerated. In summary, the available evidence is currently insufficient to determine the role of this variant in disease. Therefore, it has been classified as a Variant of Uncertain Significance.

NM_032520.5(GNPTG):c.701C>G (p.Pro234Arg)

Gene: GNPTG (N-acetylglucosamine-1-phosphate transferase subunit gamma; plus strand). Cytogenetic location: 16p13.3.
Variant type: single nucleotide variant.
Coding change: c.701C>G on transcript NM_032520.5 (MANE Select); coding-DNA position 701, C replaced by G.
Protein change: p.Pro234Arg; replaces proline 234 with arginine.
Molecular consequence: missense variant.
Genome position (GRCh38, 1-based): chr16:1,362,702, C>G. VCF-style: chr16-1362702-C-G. GRCh37 (hg19) VCF-style: chr16-1412703-C-G.
Other names: short protein forms P234R.
Identifiers: ClinVar variation 2199886 (VCV002199886.1), dbSNP rs990613310, ClinGen allele CA276658882.